The following is an entry in ClinVar:

ClinVar aggregate classification (germline): Uncertain significance (1 of 4 stars; one submission).

Conditions:
Androgen resistance syndrome (AIS). Also called: Androgen insensitivity, complete; ANDROGEN RECEPTOR DEFICIENCY; DIHYDROTESTOSTERONE RECEPTOR DEFICIENCY; TESTICULAR FEMINIZATION SYNDROME; Androgen insensitivity; DHTR DEFICIENCY. Identifiers: Orphanet 754, Orphanet 99429, MedGen C0039585, MONDO:0019154, OMIM 300068. Disease mechanism: loss of function.

Submission:

3billion
Classification: Uncertain significance for Androgen resistance syndrome. Last evaluated: 2025-10-06. Review status: criteria provided, single submitter. Criteria: ACMG Guidelines, 2015. Collection method: clinical testing. Allele origin: germline. Affected: yes.
Comment: The variant is not observed in the gnomAD v4.1.0 dataset. Predicted Consequence/Location: Missense variant In silico tool predictions suggest damaging effect of the variant on gene or gene product [REVEL: 0.91 (>=0.6, sensitivity 0.68 and specificity 0.92); 3Cnet: 0.34 (> 0.75, sensitivity 0.96 and precision 0.92)]. A different missense change at the same codon (p.Pro818Ala) has been reported to be associated with AR-related disorder (PMID: 15171708). Therefore, this variant is classified as VUS according to the recommendation of ACMG/AMP guideline.

Literature cited by the submitters: PubMed 15171708.

NM_000044.6(AR):c.2452C>T (p.Pro818Ser)

Gene: AR (androgen receptor; plus strand). Cytogenetic location: Xq12.
Variant type: single nucleotide variant.
Coding change: c.2452C>T on transcript NM_000044.6 (MANE Select); coding-DNA position 2452, C replaced by T.
Protein change: p.Pro818Ser; replaces proline 818 with serine.
Molecular consequence: missense variant.
Genome position (GRCh38, 1-based): chrX:67,722,829, C>T. VCF-style: chrX-67722829-C-T. GRCh37 (hg19) VCF-style: chrX-66942671-C-T.
Other names: c.856C>T, p.Pro286Ser (NM_001011645.3); short protein forms P286S, P818S.
Identifiers: ClinVar variation 4854720 (VCV004854720.1).
Genomic context (GRCh38, chrX:67,722,829, plus strand): 5'-TCTAATGCTCCTTCGTGGGCATGCTTCCCCTCCCCATTCTGTCTTCATCCCACATCAGTT[C>T]CAGTGGATGGGCTGAAAAATCAAAAATTCTTTGATGAACTTCGAATGAACTACATCAAGG-3'
Protein context (NP_000035.2, residues 808-828): MKALLLFSII[Pro818Ser]VDGLKNQKFF